The following is an entry in ClinVar:

NM_000186.4(CFH):c.3572C>G (p.Ser1191Trp)

Gene: CFH (complement factor H; plus strand). Cytogenetic location: 1q31.3.
Variant type: single nucleotide variant.
Coding change: c.3572C>G on transcript NM_000186.4 (MANE Select); coding-DNA position 3572, C replaced by G.
Protein change: p.Ser1191Trp; replaces serine 1191 with tryptophan.
Molecular consequence: missense variant.
Genome position (GRCh38, 1-based): chr1:196,747,189, C>G. VCF-style: chr1-196747189-C-G. GRCh37 (hg19) VCF-style: chr1-196716319-C-G.
Other names: short protein forms S1191W.
Identifiers: ClinVar variation 4291617 (VCV004291617.1).

ClinVar aggregate classification (germline): Uncertain significance (1 of 4 stars; one submission).

Conditions:
Atypical hemolytic-uremic syndrome. Identifiers: Orphanet 2134, MedGen C2931788, MONDO:0016244.

Submission:

Genomenon, Inc
Classification: Uncertain significance for Atypical hemolytic-uremic syndrome. Last evaluated: 2025-10-02. Review status: criteria provided, single submitter. Criteria: Genomenon Sequence Variant Interpretation Standards - Updated. Collection method: curation. Allele origin: germline. Affected: yes.
Comment: CFH p.Ser1191Trp (c.3572C>G) is a missense variant that changes the amino acid at residue 1191 from Serine to Tryptophan. This variant has been observed in at least one proband affected with atypical hemolytic-uremic syndrome (PMID:39422762;31328266;27799617;33270832;24558625;29511899;15140578). Functional studies have been reported (PMID:34189567). It is absent or not present at a significant frequency in gnomAD. In conclusion, we classify CFH p.Ser1191Trp (c.3572C>G) as a variant of uncertain significance.

Literature cited by the submitters: PubMed 39422762; PubMed 31328266; PubMed 27799617; PubMed 33270832; PubMed 24558625; PubMed 29511899; PubMed 15140578; PubMed 34189567.